The following is an entry in ClinVar:

ClinVar aggregate classification (germline): Pathogenic/Likely pathogenic. Review status: criteria provided, multiple submitters, no conflicts (2 of 4 stars). 3 submissions from 3 submitters: Pathogenic (1); Likely pathogenic (2). Last evaluated 2025-02-28.

Conditions:
Joubert syndrome. Also called: CEREBELLOPARENCHYMAL DISORDER IV; JOUBERT-BOLTSHAUSER SYNDROME; Familial aplasia of the vermis. Identifiers: Orphanet 475, MedGen C5979921, MONDO:0018772.
Nephronophthisis. Also called: Juvenile Nephronophthisis. Identifiers: Orphanet 655, MedGen C0687120, MONDO:0019005, HP:0000090.
Meckel-Gruber syndrome. Also called: DYSENCEPHALIA SPLANCHNOCYSTICA; GRUBER SYNDROME; Dysencephalia splachnocystica. Identifiers: Orphanet 564, MedGen C0265215, MONDO:0018921.
Joubert syndrome 5 (JBTS5). Identifiers: Orphanet 2318, MedGen C1857780, MONDO:0012432, OMIM 610188.
Senior-Loken syndrome 6 (SLSN6). Identifiers: Orphanet 3156, MedGen C1857779, MONDO:0012433, OMIM 610189.
Bardet-Biedl syndrome 14 (BBS14). Identifiers: Orphanet 110, MedGen C2673874, MONDO:0014442, OMIM 615991.
Leber congenital amaurosis 10 (LCA10). Identifiers: Orphanet 65, MedGen C1857821, MONDO:0012723, OMIM 611755.
Meckel syndrome, type 4 (MKS4). Also called: MECKEL-GRUBER SYNDROME, TYPE 4. Identifiers: Orphanet 564, MedGen C1970161, MONDO:0012626, OMIM 611134.
Leber congenital amaurosis (LCA). Also called: Leber's amaurosis. Identifiers: Orphanet 65, MedGen C0339527, MeSH D057130, MONDO:0018998.

Submissions (3):

Natera, Inc.
Classification: Likely pathogenic for Leber congenital amaurosis. Last evaluated: 2025-02-28. Review status: criteria provided, single submitter. Criteria: Natera Variant Classification Schema (03/2026). Collection method: clinical testing. Allele origin: germline.
Comment: The c.5754G>A variant in CEP290 is a nonsense variant predicted to introduce a stop codon at amino acid 1918. This variant is expected to result in nonsense mediated decay, truncation, or a dysfunctional protein product. This variant is rare in the general population with a frequency below the threshold expected for the associated phenotype(s). Given the available evidence, this variant is classified as Likely Pathogenic.

Fulgent Genetics
Classification: Likely pathogenic for Joubert syndrome 5; Senior-Loken syndrome 6; Meckel syndrome, type 4; Leber congenital amaurosis 10; Bardet-Biedl syndrome 14. Last evaluated: 2024-04-04. Review status: criteria provided, single submitter. Criteria: ACMG Guidelines, 2015. Collection method: clinical testing. Allele origin: germline.

Labcorp Genetics (formerly Invitae), Labcorp
Classification: Pathogenic for Joubert syndrome; Meckel-Gruber syndrome; Nephronophthisis. Last evaluated: 2023-04-23. Review status: criteria provided, single submitter. Criteria: Invitae Variant Classification Sherloc (09022015). Collection method: clinical testing. Allele origin: germline.
Comment: For these reasons, this variant has been classified as Pathogenic. This variant has not been reported in the literature in individuals affected with CEP290-related conditions. This variant is not present in population databases (gnomAD no frequency). This sequence change creates a premature translational stop signal (p.Trp1918*) in the CEP290 gene. It is expected to result in an absent or disrupted protein product. Loss-of-function variants in CEP290 are known to be pathogenic (PMID: 16909394, 17345604, 20690115).

Literature cited by the submitters: PubMed 16909394 (cited by Labcorp Genetics (formerly Invitae), Labcorp); PubMed 17345604 (cited by Labcorp Genetics (formerly Invitae), Labcorp); PubMed 20690115 (cited by Labcorp Genetics (formerly Invitae), Labcorp).

NM_025114.4(CEP290):c.5754G>A (p.Trp1918Ter)

Gene: CEP290 (centrosomal protein 290; minus strand). Cytogenetic location: 12q21.32.
Variant type: single nucleotide variant.
Coding change: c.5754G>A on transcript NM_025114.4 (MANE Select); coding-DNA position 5754, G replaced by A.
Protein change: p.Trp1918Ter; replaces tryptophan 1918 with a stop codon.
Molecular consequence: nonsense.
Genome position (GRCh38, 1-based): chr12:88,071,882, C>T on the plus strand (G>A on the coding strand, the complement: CEP290 is on the minus strand). VCF-style: chr12-88071882-C-T. GRCh37 (hg19) VCF-style: chr12-88465659-C-T.
Other names: c.5754G>A (NM_025114.3); short protein forms W1918*.
Identifiers: ClinVar variation 2947028 (VCV002947028.6), dbSNP rs2499744201, ClinGen allele CA385985036.
Genomic context (GRCh38, chr12:88,071,882, plus strand): 5'-AGTAAAGACTTCCCCCTCTTTCTCTTTTAACTTGTTTCGAATTCCTTCTATTTTGGCTTG[C>T]CACTTTTTACCTTCTTCCCACCTAATTAATTCTTCTTTAGCATTCTGTAACAATAACGAA-3'